The following is an entry in ClinVar:

NM_000350.3(ABCA4):c.2408del (p.Gly803fs)

Gene: ABCA4 (ATP binding cassette subfamily A member 4; minus strand). Cytogenetic location: 1p22.1.
Variant type: Deletion.
Coding change: c.2408del on transcript NM_000350.3 (MANE Select); coding-DNA position 2408, one base deleted (G; older notation c.2408delG).
Protein change: p.Gly803fs; shifts the reading frame from glycine 803.
Molecular consequence: frameshift variant.
Genome position (GRCh38, 1-based): chr1:94,055,290, C deleted on the plus strand (G on the coding strand, the reverse complement: ABCA4 is on the minus strand); the first of 2 consecutive C bases (chr1:94,055,290-94,055,291); deleting either gives the same sequence. VCF-style (leftmost placement, unchanged base first): chr1-94055289-TC-T. GRCh37 (hg19) VCF-style: chr1-94520845-TC-T.
Other names: c.2185delG, p.Gly729Aspfs (NM_001425324.1); short protein forms G803fs.
Identifiers: ClinVar variation 635978 (VCV000635978.5), dbSNP rs1570386206, ClinGen allele CA645372180.

ClinVar aggregate classification (germline): Pathogenic. Review status: criteria provided, single submitter (1 of 4 stars). 2 submissions from 2 submitters: Pathogenic (1). 1 of the submissions does not count toward it. Last evaluated 2023-12-09.

Conditions:
Stargardt disease (FFM). Also called: Stargardt's disease; Fundus flavimaculatus. Identifiers: Orphanet 827, MedGen C0271093, MONDO:0019353.

Submissions (2):

Labcorp Genetics (formerly Invitae), Labcorp
Classification: Pathogenic. Last evaluated: 2023-12-09. Review status: criteria provided, single submitter. Criteria: Invitae Variant Classification Sherloc (09022015). Collection method: clinical testing. Allele origin: germline.
Comment: This sequence change creates a premature translational stop signal (p.Gly803Aspfs*40) in the ABCA4 gene. It is expected to result in an absent or disrupted protein product. Loss-of-function variants in ABCA4 are known to be pathogenic (PMID: 10958761, 24938718, 25312043, 26780318). This variant is not present in population databases (gnomAD no frequency). This premature translational stop signal has been observed in individual(s) with retinal dystrophy (PMID: 22229821). ClinVar contains an entry for this variant (Variation ID: 635978). For these reasons, this variant has been classified as Pathogenic.

Department of Clinical Genetics, Copenhagen University Hospital, Rigshospitalet
Classification: Pathogenic for Stargardt disease. Last evaluated: 2018-04-01. Review status: no assertion criteria provided. Collection method: research. Allele origin: unknown. Affected: yes. Study: VeluxRD. Not counted in ClinVar's aggregate classification.

Literature cited by the submitters: PubMed 10958761 (cited by Labcorp Genetics (formerly Invitae), Labcorp); PubMed 24938718 (cited by Labcorp Genetics (formerly Invitae), Labcorp); PubMed 25312043 (cited by Labcorp Genetics (formerly Invitae), Labcorp); PubMed 26780318 (cited by Labcorp Genetics (formerly Invitae), Labcorp); PubMed 22229821 (cited by Labcorp Genetics (formerly Invitae), Labcorp); PubMed 30718709 (cited by Department of Clinical Genetics, Copenhagen University Hospital, Rigshospitalet).